The following is an entry in ClinVar:

NM_000535.7(PMS2):c.1927C>T (p.Gln643Ter)

Gene: PMS2 (PMS1 homolog 2, mismatch repair system component; minus strand). Cytogenetic location: 7p22.1.
Variant type: single nucleotide variant.
Coding change: c.1927C>T on transcript NM_000535.7 (MANE Select); coding-DNA position 1927, C replaced by T.
Protein change: p.Gln643Ter; replaces glutamine 643 with a stop codon.
Molecular consequence: nonsense. On other transcripts: non-coding transcript variant (1).
Genome position (GRCh38, 1-based): chr7:5,986,838, G>A on the plus strand (C>T on the coding strand, the complement: PMS2 is on the minus strand). VCF-style: chr7-5986838-G-A. GRCh37 (hg19) VCF-style: chr7-6026469-G-A.
Other names: c.1522C>T, p.Gln508Ter (NM_001322003.2, NM_001322004.2, NM_001322005.2 and 1 more transcripts); c.1771C>T, p.Gln591Ter (NM_001322006.2); c.1609C>T, p.Gln537Ter (NM_001322007.2, NM_001322008.2); c.1366C>T, p.Gln456Ter (NM_001322010.2); c.994C>T, p.Gln332Ter (NM_001322011.2, NM_001322012.2); c.1354C>T, p.Gln452Ter (NM_001322013.2); c.1927C>T, p.Gln643Ter (NM_001322014.2); c.1618C>T, p.Gln540Ter (NM_001322015.2); short protein forms Q643*, Q332*, Q508*, Q452*, Q537*, Q591*, Q456*, Q540*.
Identifiers: ClinVar variation 91320 (VCV000091320.40), dbSNP rs63751422, ClinGen allele CA010460.

ClinVar aggregate classification (germline): Pathogenic. Review status: reviewed by expert panel (3 of 4 stars). 13 submissions from 13 submitters: Pathogenic (1). 12 of the submissions do not count toward it. Last evaluated 2013-09-05.

Conditions:
Lynch syndrome. Identifiers: Orphanet 144, MedGen C4552100, MONDO:0005835. Disease mechanism: loss of function.
Lynch syndrome 4 (LYNCH4). Also called: Colorectal cancer, hereditary nonpolyposis, type 4; Hereditary non-polyposis colorectal cancer, type 4. Identifiers: Orphanet 144, MedGen C1838333, MONDO:0013699, OMIM 614337. Disease mechanism: loss of function.
Hereditary nonpolyposis colon cancer (HNPCC). Also called: Hereditary nonpolyposis colorectal cancer; Familial nonpolyposis colon cancer; Hereditary Nonpolyposis Colorectal Cancer Syndrome. Identifiers: Orphanet 443909, MedGen C1333990, MONDO:0018630. Disease mechanism: loss of function.
Hereditary cancer-predisposing syndrome. Also called: Tumor predisposition; Hereditary Cancer Syndrome; Hereditary neoplastic syndrome; Neoplastic Syndromes, Hereditary. Identifiers: Orphanet 140162, MedGen C0027672, MeSH D009386, MONDO:0015356.
Hereditary nonpolyposis colorectal neoplasms. Identifiers: MedGen C0009405, MeSH D003123.
Mismatch repair cancer syndrome 1 (MMRCS1). Also called: BRAIN TUMOR-POLYPOSIS SYNDROME 1; BTP1 SYNDROME; CHILDHOOD CANCER SYNDROME; MISMATCH REPAIR DEFICIENCY; MMR DEFICIENCY. Identifiers: Orphanet 252202, MedGen C5399763, MONDO:0010159, OMIM 276300. Disease mechanism: loss of function.

Allele frequency attached by ClinVar (database versions not stated): gnomAD exomes 0.00001 and below 0.00001; TOPMed 0.00002; ESP Exome Variant Server 0.00008; gnomAD 0.00001.
gnomAD v4.1: 10 of 1,613,512 alleles (0.00062%); highest among the groups gnomAD compares: African/African-American, 0.0013%; no homozygotes.

Submissions 1 to 8 of 13:

International Society for Gastrointestinal Hereditary Tumours (InSiGHT)
Classification: Pathogenic for Lynch Syndrome. Last evaluated: 2013-09-05. Review status: reviewed by expert panel. Criteria: Guidelines v1.9. Collection method: research. Allele origin: germline.
Comment: Coding sequence variation resulting in a stop codon

Classified with v1.9 guidelines

Labcorp Genetics (formerly Invitae), Labcorp
Classification: Pathogenic for Hereditary nonpolyposis colorectal neoplasms. Last evaluated: 2026-02-03. Review status: criteria provided, single submitter. Criteria: Invitae Variant Classification Sherloc (09022015). Collection method: clinical testing. Allele origin: germline. Not counted in ClinVar's aggregate classification.
Comment: This sequence change creates a premature translational stop signal (p.Gln643*) in the PMS2 gene. It is expected to result in an absent or disrupted protein product. Loss-of-function variants in PMS2 are known to be pathogenic (PMID: 21376568, 24362816). This variant is not present in population databases (gnomAD no frequency). This premature translational stop signal has been observed in individual(s) with Lynch syndrome, and constitutional mismatch repair deficiency syndrome (PMID: 6144131, 18602922, 20205264, 23012243, 26895986). Invitae Evidence Modeling of clinical and family history, age, sex, and reported ancestry of multiple individuals with this PMS2 variant has been performed. This variant is expected to be pathogenic with a positive predictive value of at least 99%. This is a validated machine learning model that incorporates the clinical features of 1,627,235 individuals referred to our laboratory for PMS2 testing. ClinVar contains an entry for this variant (Variation ID: 91320). RNA analysis performed to evaluate the impact of this premature translational stop signal on mRNA splicing indicates it does not significantly alter splicing (internal data). For these reasons, this variant has been classified as Pathogenic.

Color Diagnostics, LLC DBA Color Health
Classification: Pathogenic for Hereditary cancer-predisposing syndrome. Last evaluated: 2025-12-15. Review status: criteria provided, single submitter. Criteria: ACMG Guidelines, 2015. Collection method: clinical testing. Allele origin: germline. Not counted in ClinVar's aggregate classification.
Comment: This variant changes 1 nucleotide in exon 11 of the PMS2 gene, creating a premature translation stop signal. This variant is expected to result in an absent or non-functional protein product. To our knowledge, functional studies have not been reported for this variant. This variant has been reported in heterozygous carriers affected with colorectal cancer (PMID: 18602922, 26895986, 27273229, 31433215), as well as compound heterozygous carriers with phenotypes consistent with Turcot syndrome and constitutional mismatch repair deficiency syndrome (PMID: 16144131, 20205264). This variant has been identified in 1/251242 chromosomes in the general population by the Genome Aggregation Database (gnomAD). Loss of PMS2 function is a known mechanism of disease. Based on the available evidence, this variant is classified as Pathogenic.

Ambry Genetics
Classification: Pathogenic for Hereditary cancer-predisposing syndrome. Last evaluated: 2025-01-21. Review status: criteria provided, single submitter. Criteria: Ambry Variant Classification Scheme 2023. Collection method: clinical testing. Allele origin: germline. Not counted in ClinVar's aggregate classification.
Comment: The p.Q643* pathogenic mutation (also known as c.1927C>T), located in coding exon 11 of the PMS2 gene, results from a C to T substitution at nucleotide position 1927. This changes the amino acid from a glutamine to a stop codon within coding exon 11. This mutation has been reported in multiple individuals with biallelic PMS2 mutations who presented with very early-onset brain tumors, small bowel cancers, and adenomas, whose tumors were microsatellite high and showed isolated loss of PMS2 protein expression (Agostini M et al. Am. J. Gastroenterol. 2005 Aug;100:1886-91; Vaughn CP et al. Hum. Mutat. 2010 May;31:588-93; Pastrello C et al. Genet. Med. 2011 Feb;13:115-24). This mutation has also been reported in multiple individuals with apparently sporadic colon cancer that showed isolated absence of the PMS2 protein on immunohistochemistry (Senter L et al. Gastroenterology. 2008 Aug;135:419-28; Rosty C et al. BMJ Open. 2016 Feb;6:e010293). Of note, this mutation is also designated as c.1951C>T in published literature. In addition to the clinical data presented in the literature, this alteration is expected to result in loss of function by premature protein truncation or nonsense-mediated mRNA decay. As such, this alteration is interpreted as a disease-causing mutation.

All of Us Research Program, National Institutes of Health
Classification: Pathogenic for Lynch syndrome. Last evaluated: 2024-08-19. Review status: criteria provided, single submitter. Criteria: ACMG Guidelines, 2015. Collection method: clinical testing. Allele origin: germline. Inheritance: Autosomal dominant inheritance. Observed: 4 variant alleles, 4 heterozygotes. Not counted in ClinVar's aggregate classification.
Comment: This variant changes 1 nucleotide in exon 11 of the PMS2 gene, creating a premature translation stop signal. This variant is expected to result in an absent or non-functional protein product. To our knowledge, functional studies have not been reported for this variant. This variant has been reported in heterozygous carriers affected with colorectal cancer (PMID: 18602922, 26895986, 27273229, 31433215), as well as compound heterozygous carriers with phenotypes consistent with Turcot syndrome and constitutional mismatch repair deficiency syndrome (PMID: 16144131, 20205264). This variant has also been reported in an individual with breast cancer (PMID: 33753322). This variant has been identified in 1/251242 chromosomes in the general population by the Genome Aggregation Database (gnomAD). Loss of PMS2 function is a known mechanism of disease. Based on the available evidence, this variant is classified as Pathogenic.

This study involves interpretation of variants in research participants for the purpose of population health screening. Participant phenotype was not available at the time of variant classification. Additional details can be found in publication PMID: 35346344, PMCID: PMC8962531

Baylor Genetics
Classification: Pathogenic for Lynch syndrome 4. Last evaluated: 2024-03-27. Review status: criteria provided, single submitter. Criteria: ACMG Guidelines, 2015. Collection method: clinical testing. Allele origin: unknown. Not counted in ClinVar's aggregate classification.

Quest Diagnostics Nichols Institute San Juan Capistrano
Classification: Pathogenic. Last evaluated: 2023-09-28. Review status: criteria provided, single submitter. Criteria: Quest Diagnostics criteria. Collection method: clinical testing. Allele origin: unknown. Not counted in ClinVar's aggregate classification.
Comment: The PMS2 c.1927C>T (p.Gln643*) variant causes the premature termination of PMS2 protein synthesis. This variant has been reported in the published literature in individuals with Lynch syndrome associated cancers (PMID: 16144131 (2005), 18602922 (2008), 20205264 (2010), 21239990 (2011), 26895986 (2016), 31992580 (2020)). In addition, immunohistochemistry analysis of the tumors with this variant showed loss of PMS2 expression (PMID: 18602922 (2008), 20205264 (2010), 26895986 (2016)). In a large scale breast cancer association study, the variant was observed in an individual with breast cancer and not among unaffected individuals (PMID: 33471991 (2021), see also LOVD). The frequency of this variant in the general population, 0.000004 (1/251242 chromosomes (Genome Aggregation Database)), is consistent with pathogenicity. Based on the available information, this variant is classified as pathogenic.

Myriad Genetics, Inc.
Classification: Pathogenic for Lynch syndrome 4. Last evaluated: 2023-09-21. Review status: criteria provided, single submitter. Criteria: Myriad Autosomal Dominant, Autosomal Recessive and X-Linked Classification Criteria (2023). Collection method: clinical testing. Allele origin: unknown. Not counted in ClinVar's aggregate classification.
Comment: This variant is considered pathogenic. This variant creates a termination codon and is predicted to result in premature protein truncation.